The following is an entry in ClinVar:

NM_016373.4(WWOX):c.*56A>C

Genes: MAF (MAF bZIP transcription factor; minus strand), WWOX (WW domain containing oxidoreductase; plus strand). Cytogenetic location: 16q23.2.
Variant type: single nucleotide variant.
Coding change: c.*56A>C on transcript NM_016373.4 (MANE Select); 56 bases downstream of the stop codon, A replaced by C.
Molecular consequence: 3 prime UTR variant.
Genome position (GRCh38, 1-based): chr16:79,211,852, A>C. VCF-style: chr16-79211852-A-C. GRCh37 (hg19) VCF-style: chr16-79245749-A-C.
Other names: c.*56A>C (NM_001291997.2).
Identifiers: ClinVar variation 3898302 (VCV003898302.7).
Genomic context (GRCh38, chr16:79,211,852, plus strand): 5'-GCTAAGTGGAGCTCAGAGCGGATGGGCACACACACCCGCCCTGTGTGTGTCCCCTCACGC[A>C]AGTGCCAGGGCTGGGCCCCTTCCAAATGTCCCTCCAACACAGATCCGCAAGAGTAAAGGA-3'

ClinVar aggregate classification (germline): Likely benign (1 of 4 stars; one submission).

gnomAD v4.1: 75 of 1,608,240 alleles (0.0047%); highest among the groups gnomAD compares: Non-Finnish European, 0.0059%; 1 homozygote.

Submission:

CeGaT Center for Human Genetics Tuebingen
Classification: Likely benign. Last evaluated: 2025-04-01. Review status: criteria provided, single submitter. Criteria: CeGaT Center For Human Genetics Tuebingen Variant Classification Criteria Version 2. Collection method: clinical testing. Allele origin: germline. Affected: yes. Observed: 1 variant allele.
Comment: WWOX: BP4, BP7